The following is an entry in ClinVar:

NM_001363711.2(DUOX2):c.2432T>C (p.Phe811Ser)

Gene: DUOX2 (dual oxidase 2; minus strand). Cytogenetic location: 15q21.1.
Variant type: single nucleotide variant.
Coding change: c.2432T>C on transcript NM_001363711.2 (MANE Select); coding-DNA position 2432, T replaced by C.
Protein change: p.Phe811Ser; replaces phenylalanine 811 with serine.
Molecular consequence: missense variant.
Genome position (GRCh38, 1-based): chr15:45,104,268, A>G on the plus strand (T>C on the coding strand, the complement: DUOX2 is on the minus strand). VCF-style: chr15-45104268-A-G. GRCh37 (hg19) VCF-style: chr15-45396466-A-G.
Other names: c.2432T>C, p.Phe811Ser (NM_014080.5); short protein forms F811S.
Identifiers: ClinVar variation 2870353 (VCV002870353.3), dbSNP rs2504761563, ClinGen allele CA392269708.
Genomic context (GRCh38, chr15:45,104,268, plus strand): 5'-GCCAGAGAGAACATGGACTCCACAAACATGTCCTGGGGCTTGAGGCCCAGGGACTCGGCA[A>G]ACTCGGCCCTGCTCAGCTCGCAGGTCAGGGCCTCCCGCACCTTCTGGGAGGAGTCCAGGG-3'
Protein context (NP_001350640.1, residues 801-821): ALTCELSRAE[Phe811Ser]AESLGLKPQD

ClinVar aggregate classification (germline): Uncertain significance (1 of 4 stars; one submission).

Submission:

Labcorp Genetics (formerly Invitae), Labcorp
Classification: Uncertain significance. Last evaluated: 2023-07-21. Review status: criteria provided, single submitter. Criteria: Invitae Variant Classification Sherloc (09022015). Collection method: clinical testing. Allele origin: germline.
Comment: This sequence change replaces phenylalanine, which is neutral and non-polar, with serine, which is neutral and polar, at codon 811 of the DUOX2 protein (p.Phe811Ser). In summary, the available evidence is currently insufficient to determine the role of this variant in disease. Therefore, it has been classified as a Variant of Uncertain Significance. Advanced modeling of protein sequence and biophysical properties (such as structural, functional, and spatial information, amino acid conservation, physicochemical variation, residue mobility, and thermodynamic stability) performed at Invitae indicates that this missense variant is expected to disrupt DUOX2 protein function. This variant has not been reported in the literature in individuals affected with DUOX2-related conditions. This variant is not present in population databases (gnomAD no frequency).